The following is an entry in ClinVar:

NM_001854.4(COL11A1):c.4453A>G (p.Lys1485Glu)

Gene: COL11A1 (collagen type XI alpha 1 chain; minus strand). Cytogenetic location: 1p21.1.
Variant type: single nucleotide variant.
Coding change: c.4453A>G on transcript NM_001854.4 (MANE Select); coding-DNA position 4453, A replaced by G.
Protein change: p.Lys1485Glu; replaces lysine 1485 with glutamic acid.
Molecular consequence: missense variant. On other transcripts: non-coding transcript variant (1).
Genome position (GRCh38, 1-based): chr1:102,889,466, T>C on the plus strand (A>G on the coding strand, the complement: COL11A1 is on the minus strand). VCF-style: chr1-102889466-T-C. GRCh37 (hg19) VCF-style: chr1-103355022-T-C.
Other names: c.4336A>G, p.Lys1446Glu (NM_001190709.2); c.4489A>G, p.Lys1497Glu (NM_080629.3); c.4105A>G, p.Lys1369Glu (NM_080630.4); short protein forms K1369E, K1446E, K1485E, K1497E.
Identifiers: ClinVar variation 1313573 (VCV001313573.2), dbSNP rs2100857470, ClinGen allele CA341212604.

ClinVar aggregate classification (germline): Uncertain significance (1 of 4 stars; one submission).

Allele frequency attached by ClinVar (database versions not stated): gnomAD exomes below 0.00001.
gnomAD v4.1: 1 of 1,612,958 alleles (0.000062%); highest among the groups gnomAD compares: Non-Finnish European, 0.000085%; no homozygotes.

Submission:

GeneDx
Classification: Uncertain significance. Last evaluated: 2020-10-27. Review status: criteria provided, single submitter. Criteria: GeneDx Variant Classification Process June 2021. Collection method: clinical testing. Allele origin: germline. Affected: yes.
Comment: Has not been previously published as pathogenic or benign to our knowledge; Not observed in large population cohorts (Lek et al., 2016); In silico analysis supports that this missense variant has a deleterious effect on protein structure/function